The following is an entry in ClinVar:

NM_000316.3(PTH1R):c.1353+4C>T

Gene: PTH1R (parathyroid hormone 1 receptor; plus strand). Cytogenetic location: 3p21.31.
Variant type: single nucleotide variant.
Coding change: c.1353+4C>T on transcript NM_000316.3 (MANE Select); 4 bases into the intron after coding-DNA position 1353, C replaced by T.
Molecular consequence: intron variant.
Genome position (GRCh38, 1-based): chr3:46,902,671, C>T. VCF-style: chr3-46902671-C-T. GRCh37 (hg19) VCF-style: chr3-46944161-C-T.
Other names: c.1353+4C>T (NM_001184744.1).
Identifiers: ClinVar variation 2181303 (VCV002181303.4), dbSNP rs775497748, ClinGen allele CA2359485.
Genomic context (GRCh38, chr3:46,902,671, plus strand): 5'-TCAGGGACGCTCTGGCAAGTCCAGATGCACTATGAGATGCTCTTCAACTCCTTCCAGGTG[C>T]GCAGTGCTGGCCCGGGCCTGGCTGAGGGTGGGAGGGGTTCCGGGGGCAGGCCTGATTCGA-3'

ClinVar aggregate classification (germline): Uncertain significance (1 of 4 stars; one submission).

Allele frequency attached by ClinVar (database versions not stated): ExAC 0.00002; gnomAD 0.00003; TOPMed 0.00004.

Submission:

Labcorp Genetics (formerly Invitae), Labcorp
Classification: Uncertain significance. Last evaluated: 2022-08-02. Review status: criteria provided, single submitter. Criteria: Invitae Variant Classification Sherloc (09022015). Collection method: clinical testing. Allele origin: germline.
Comment: In summary, the available evidence is currently insufficient to determine the role of this variant in disease. Therefore, it has been classified as a Variant of Uncertain Significance. Variants that disrupt the consensus splice site are a relatively common cause of aberrant splicing (PMID: 17576681, 9536098). Algorithms developed to predict the effect of sequence changes on RNA splicing suggest that this variant is not likely to affect RNA splicing. This variant has not been reported in the literature in individuals affected with PTH1R-related conditions. This variant is present in population databases (rs775497748, gnomAD 0.007%). This sequence change falls in intron 14 of the PTH1R gene. It does not directly change the encoded amino acid sequence of the PTH1R protein. It affects a nucleotide within the consensus splice site.

Literature cited by the submitters: PubMed 17576681; PubMed 9536098.